The following is an entry in ClinVar:

NM_001388453.1(QRICH2):c.1523del (p.Pro508fs)

Gene: QRICH2 (glutamine rich 2; minus strand). Cytogenetic location: 17q25.1.
Variant type: Deletion.
Coding change: c.1523del on transcript NM_001388453.1 (MANE Select); coding-DNA position 1523, one base deleted (C; older notation c.1523delC).
Protein change: p.Pro508fs; shifts the reading frame from proline 508.
Molecular consequence: frameshift variant.
Genome position (GRCh38, 1-based): chr17:76,293,204, G deleted on the plus strand (C on the coding strand, the reverse complement: QRICH2 is on the minus strand); the first of 5 consecutive G bases (chr17:76,293,204-76,293,208); deleting any one gives the same sequence. VCF-style (leftmost placement, unchanged base first): chr17-76293203-AG-A. GRCh37 (hg19) VCF-style: chr17-74289284-AG-A.
Other names: c.1523del, p.Pro508fs (NM_032134.3); short protein forms P508fs.
Identifiers: ClinVar variation 5038068 (VCV005038068.1).
Genomic context (GRCh38, chr17:76,293,203, plus strand): 5'-AGGTAGAACCAGGCCATGTTGATCGACGACAGGCAATGTCAATCCTTGCTGGTCTATACC[AG>A]GGGGTACTAGTCCTTGCTGACCCATGCCTGATATTACACATCCACGCTGATCCATGCCAA-3'

ClinVar aggregate classification (germline): Likely pathogenic (1 of 4 stars; one submission).

Conditions:
Spermatogenic failure 35. Identifiers: MedGen C5193038, MONDO:0032686, OMIM 618341.

Submission:

MVZ Medizinische Genetik Mainz
Classification: Likely pathogenic for Spermatogenic failure 35. Last evaluated: 2026-09-02. Review status: criteria provided, single submitter. Criteria: UK Practice Guidelines For Variant Classification V4 01 2020. Collection method: clinical testing. Allele origin: germline. Inheritance: Autosomal recessive inheritance. Affected: yes. Observed: 1 variant allele.
Comment: ACMG Criteria: PVS1,PM2_SUP